The following is an entry in ClinVar:

ClinVar aggregate classification (germline): Pathogenic/Likely pathogenic. Review status: criteria provided, multiple submitters, no conflicts (2 of 4 stars). 2 submissions from 2 submitters: Pathogenic (1); Likely pathogenic (1). Last evaluated 2025-08-05.

Conditions:
Neurodevelopmental disorder with or without anomalies of the brain, eye, or heart (NEDBEH). Identifiers: Orphanet 494344, MedGen C5567477, MONDO:0014857, OMIM 616975.

Submissions (2):

Daryl Scott Lab, Baylor College of Medicine
Classification: Pathogenic for Neurodevelopmental disorder with or without anomalies of the brain, eye, or heart. Last evaluated: 2025-08-05. Review status: criteria provided, single submitter. Criteria: ACMG Guidelines, 2015. Collection method: clinical testing. Allele origin: unknown. Affected: yes. Observed: 1 heterozygote.
Comment: PS2, PS4, PM2

Baylor Genetics
Classification: Likely pathogenic for Neurodevelopmental disorder with or without anomalies of the brain, eye, or heart. Last evaluated: 2022-03-06. Review status: criteria provided, single submitter. Criteria: ACMG Guidelines, 2015. Collection method: clinical testing. Allele origin: unknown.

NM_001042681.2(RERE):c.4307_4318del (p.Leu1436_His1439del)

Gene: RERE (arginine-glutamic acid dipeptide repeats; minus strand). Cytogenetic location: 1p36.23.
Variant type: Deletion.
Coding change: c.4307_4318del on transcript NM_001042681.2 (MANE Select); coding-DNA positions 4307 to 4318, 12 bases deleted (TCCACCTCCACC).
Protein change: p.Leu1436_His1439del.
Molecular consequence: inframe deletion.
Genome position (GRCh38, 1-based): chr1:8,358,217-8,358,228, GGTGGAGGTGGA deleted on the plus strand (TCCACCTCCACC on the coding strand, the reverse complement: RERE is on the minus strand); deleting any 12 consecutive bases within chr1:8,358,217-8,358,233 gives the same sequence; the c. name uses the placement nearest the transcript's 3' end. VCF-style (leftmost placement, unchanged base first): chr1-8358216-TGGTGGAGGTGGA-T. GRCh37 (hg19) VCF-style: chr1-8418276-TGGTGGAGGTGGA-T.
Other names: c.2645_2656del, p.Leu882_His885del (NM_001042682.2); c.4307_4318del, p.Leu1436_His1439del (NM_012102.4).
Identifiers: ClinVar variation 2442107 (VCV002442107.2), dbSNP rs1064793252, ClinGen allele CA2580062558.
Genomic context (GRCh38, chr1:8,358,216, plus strand): 5'-CCCCGTGCCTCTGTCCCACCTGCCACGCTGGGGCACGCACCTTGGTGGAGGGGGTCCTGC[TGGTGGAGGTGGA>T]GGTGGGAGTGAATGTGAGAGTGCTGGTGATGGTGCGGAGTCACGTTGAACATCTGCAGTC-3'